The following is an entry in ClinVar:

NM_001382391.1(CSPP1):c.26T>C (p.Ile9Thr)

Gene: CSPP1 (centrosome and spindle pole associated protein 1; plus strand). Cytogenetic location: 8q13.1.
Variant type: single nucleotide variant.
Coding change: c.26T>C on transcript NM_001382391.1 (MANE Select); coding-DNA position 26, T replaced by C.
Protein change: p.Ile9Thr; replaces isoleucine 9 with threonine.
Molecular consequence: missense variant.
Genome position (GRCh38, 1-based): chr8:67,074,278, T>C. VCF-style: chr8-67074278-T-C. GRCh37 (hg19) VCF-style: chr8-67986513-T-C.
Other names: c.26T>C, p.Ile9Thr (NM_001363131.2, NM_001363132.2, NM_001363133.2); c.134T>C, p.Ile45Thr (NM_001364869.1, NM_001364870.1, NM_024790.7); short protein forms I45T, I9T.
Identifiers: ClinVar variation 423240 (VCV000423240.2), dbSNP rs958906269, ClinGen allele CA16618687.
Genomic context (GRCh38, chr8:67,074,278, plus strand): 5'-CGCTCACTGAAATTTTTTTTTAAAGAATCTGCAAAATGGCTGATAATTTGGATGAATTTA[T>C]TGAAGAGCAAAAAGCCAGATTGGCCGAAGACAAAGCAGAGTTGGAAAGTGATCCACCTTA-3'
Protein context (NP_001369320.1, residues 1-19): MADNLDEF[Ile9Thr]EEQKARLAED

ClinVar aggregate classification (germline): Uncertain significance (1 of 4 stars; one submission).

Allele frequency attached by ClinVar (database versions not stated): gnomAD 0.00001; TOPMed below 0.00001; gnomAD exomes below 0.00001.
gnomAD v4.1: 2 of 1,611,270 alleles (0.00012%); highest among the groups gnomAD compares: Non-Finnish European, 0.00017%; no homozygotes.

Submission:

GeneDx
Classification: Uncertain significance. Last evaluated: 2017-02-14. Review status: criteria provided, single submitter. Criteria: GeneDx Variant Classification (06012015). Collection method: clinical testing. Allele origin: germline. Affected: yes.
Comment: The I45T variant in the CSPP1 gene has not been reported previously as a pathogenic variant, nor as a benign variant, to our knowledge. The I45T variant is not observed in large population cohorts (Lek et al., 2016; 1000 Genomes Consortium et al., 2015; Exome Variant Server). The I45T variant is a non-conservative amino acid substitution, which is likely to impact secondary protein structure as these residues differ in polarity, charge, size and/or other properties. This substitution occurs at a position that is conserved across species. In silico analysis predicts this variant is probably damaging to the protein structure/function. We interpret I45T as a variant of uncertain significance.